The following is an entry in ClinVar:

ClinVar aggregate classification (germline): Likely benign. Review status: criteria provided, multiple submitters, no conflicts (2 of 4 stars). 3 submissions from 3 submitters: Likely benign (3). Last evaluated 2025-12-14.

Conditions:
TTN-related disorder. Also called: TTN-related disorders; TTN-related condition; TTN-related disease.
Dilated cardiomyopathy 1G (CMD1G). Identifiers: Orphanet 154, MedGen C1858763, MONDO:0011400, OMIM 604145.
Autosomal recessive limb-girdle muscular dystrophy type 2J (LGMDR10). Also called: Limb-girdle muscular dystrophy, type 2J; MUSCULAR DYSTROPHY, LIMB-GIRDLE, AUTOSOMAL RECESSIVE 10. Identifiers: Orphanet 140922, MedGen C1837342, MONDO:0012127, OMIM 608807.
Cardiovascular phenotype. Identifiers: MedGen CN230736.

Allele frequency attached by ClinVar (database versions not stated): ExAC 0.00001; gnomAD exomes 0.00001 and 0.00003; TOPMed 0.00002.
gnomAD v4.1: 15 of 1,607,552 alleles (0.00093%); highest among the groups gnomAD compares: Admixed American, 0.017%; no homozygotes.

Submissions (3):

Labcorp Genetics (formerly Invitae), Labcorp
Classification: Likely benign for Dilated cardiomyopathy 1G; Autosomal recessive limb-girdle muscular dystrophy type 2J. Last evaluated: 2025-12-14. Review status: criteria provided, single submitter. Criteria: Invitae Variant Classification Sherloc (09022015). Collection method: clinical testing. Allele origin: germline.

PreventionGenetics, part of Exact Sciences
Classification: Likely benign for TTN-related condition. Last evaluated: 2025-12-03. Review status: criteria provided, single submitter. Criteria: ACMG Guidelines, 2015. Collection method: clinical testing. Allele origin: germline.
Comment: This variant is classified as likely benign based on ACMG/AMP sequence variant interpretation guidelines (Richards et al. 2015 PMID: 25741868, with internal and published modifications).

Ambry Genetics
Classification: Likely benign for Cardiovascular phenotype. Last evaluated: 2022-10-14. Review status: criteria provided, single submitter. Criteria: Ambry Variant Classification Scheme 2023. Collection method: clinical testing. Allele origin: germline.

NM_001267550.2(TTN):c.96384T>C (p.Ile32128=)

Genes: TTN (titin; minus strand), TTN-AS1 (TTN antisense RNA 1; plus strand), LOC126806421 (CDK7 strongly-dependent group 2 enhancer GRCh37_chr2:179407630-179408829; plus strand). Cytogenetic location: 2q31.2.
Variant type: single nucleotide variant.
Coding change: c.96384T>C on transcript NM_001267550.2 (MANE Select); coding-DNA position 96384, T replaced by C.
Protein change: p.Ile32128=; no amino-acid change (isoleucine 32128 retained).
Molecular consequence: synonymous variant.
Genome position (GRCh38, 1-based): chr2:178,543,589, A>G on the plus strand (T>C on the coding strand, the complement: TTN is on the minus strand). VCF-style: chr2-178543589-A-G. GRCh37 (hg19) VCF-style: chr2-179408316-A-G.
Other names: c.91461T>C, p.Ile30487= (NM_001256850.1); c.69189T>C, p.Ile23063= (NM_003319.4); c.88680T>C, p.Ile29560= (NM_133378.4); c.69564T>C, p.Ile23188= (NM_133432.3); c.69765T>C, p.Ile23255= (NM_133437.4).
Identifiers: ClinVar variation 744134 (VCV000744134.14), dbSNP rs757368075, ClinGen allele CA1986758.